The following is an entry in ClinVar:

ClinVar aggregate classification (germline): Uncertain significance (1 of 4 stars; one submission).

Conditions:
Hereditary cancer-predisposing syndrome. Also called: Tumor predisposition; Neoplastic Syndromes, Hereditary; Hereditary neoplastic syndrome; Hereditary Cancer Syndrome. Identifiers: Orphanet 140162, MedGen C0027672, MeSH D009386, MONDO:0015356.

Submission:

Ambry Genetics
Classification: Uncertain significance for Hereditary cancer-predisposing syndrome. Last evaluated: 2025-08-27. Review status: criteria provided, single submitter. Criteria: Ambry Variant Classification Scheme 2023. Collection method: clinical testing. Allele origin: germline.
Comment: The p.K491Q variant (also known as c.1471A>C), located in coding exon 14 of the MUTYH gene, results from an A to C substitution at nucleotide position 1471. The lysine at codon 491 is replaced by glutamine, an amino acid with similar properties. This amino acid position is conserved. In addition, this alteration is predicted to be deleterious by in silico analysis. Based on the available evidence, the clinical significance of this variant remains unclear.

NM_001048174.2(MUTYH):c.1387A>C (p.Lys463Gln)

Gene: MUTYH (mutY DNA glycosylase; minus strand). Cytogenetic location: 1p34.1.
Variant type: single nucleotide variant.
Coding change: c.1387A>C on transcript NM_001048174.2 (MANE Select); coding-DNA position 1387, A replaced by C.
Protein change: p.Lys463Gln; replaces lysine 463 with glutamine.
Molecular consequence: missense variant. On other transcripts: non-coding transcript variant (7).
Genome position (GRCh38, 1-based): chr1:45,331,187, T>G on the plus strand (A>C on the coding strand, the complement: MUTYH is on the minus strand). VCF-style: chr1-45331187-T-G. GRCh37 (hg19) VCF-style: chr1-45796859-T-G.
Other names: c.1387A>C, p.Lys463Gln (NM_001048171.2, NM_001048173.2, NM_001293195.2 and 6 more transcripts); c.1390A>C, p.Lys464Gln (NM_001048172.2, NM_001407071.1, NM_001407078.1 and 1 more transcripts); c.1471A>C, p.Lys491Gln (NM_001128425.2); c.1432A>C, p.Lys478Gln (NM_001293190.2); c.1420A>C, p.Lys474Gln (NM_001293191.2, NM_001407069.1, NM_001407077.1); c.1111A>C, p.Lys371Gln (NM_001293192.2, NM_001293196.2, NM_001407091.1); c.1042A>C, p.Lys348Gln (NM_001350650.2, NM_001350651.2, NM_001407082.1); c.1303A>C, p.Lys435Gln (NM_001407075.1); and 5 more; short protein forms K371Q, K477Q, K491Q, K463Q, K474Q, K478Q, K488Q, K435Q.
Identifiers: ClinVar variation 4113270 (VCV004113270.1).